The following is an entry in ClinVar:

NM_012233.3(RAB3GAP1):c.540dup (p.Cys181fs)

Gene: RAB3GAP1 (RAB3 GTPase activating protein catalytic subunit 1; plus strand). Cytogenetic location: 2q21.3.
Variant type: Duplication.
Coding change: c.540dup on transcript NM_012233.3 (MANE Select); coding-DNA position 540, one base duplicated (A; older notation c.540dupA).
Protein change: p.Cys181fs; shifts the reading frame from cysteine 181.
Molecular consequence: frameshift variant.
Genome position (GRCh38, 1-based): chr2:135,115,273, A duplicated; the last of 2 consecutive A bases (chr2:135,115,272-135,115,273); duplicating either gives the same sequence. VCF-style (leftmost placement, unchanged base first): chr2-135115271-G-GA. GRCh37 (hg19) VCF-style: chr2-135872841-G-GA.
Other names: c.540dup, p.Cys181fs (NM_001172435.2); short protein forms C181fs.
Identifiers: ClinVar variation 2627444 (VCV002627444.1), dbSNP rs2468179387, ClinGen allele CA2582342417.
Genomic context (GRCh38, chr2:135,115,271, plus strand): 5'-TGCAGTCAGGTGCCACTCTTTGTGCAAATTCACCACAAATGGCGAAGAATGTATGTAGGA[G>GA]AATGTCAAGGTCCTGGTGTACGAACTGATTTCGAAATGGTTCATCTTAGAAAAGTGCCAA-3'

ClinVar aggregate classification (germline): Likely pathogenic (1 of 4 stars; one submission).

Conditions:
Warburg micro syndrome 1 (WARBM1). Identifiers: Orphanet 2510, MedGen C1838625, MONDO:0010822, OMIM 600118.

Submission:

Neuberg Centre For Genomic Medicine, NCGM
Classification: Likely pathogenic for Warburg micro syndrome 1. Review status: criteria provided, single submitter. Criteria: ACMG Guidelines, 2015. Collection method: clinical testing. Allele origin: germline. Inheritance: Autosomal recessive inheritance. Affected: yes.
Comment: The frameshift duplication p.C181Mfs*9 in RAB3GAP1 (NM_012233.3) has not been reported previously as a pathogenic variant nor as a benign variant, to our knowledge. The p.C181Mfs*9 variant is novel (not in any individuals) in gnomAD Exomes and is novel (not in any individuals) in 1000 Genomes. This variant is predicted to cause loss of normal protein function through protein truncation. Loss of function variants have been reported previously to be disease causing. For these reasons, this variant has been classified as Likely Pathogenic.